The following is an entry in ClinVar:

NM_000548.5(TSC2):c.5069-5C>T

Gene: TSC2 (TSC complex subunit 2; plus strand). Cytogenetic location: 16p13.3.
Variant type: single nucleotide variant.
Coding change: c.5069-5C>T on transcript NM_000548.5 (MANE Select); 5 bases into the intron before coding-DNA position 5069, C replaced by T.
Molecular consequence: intron variant.
Genome position (GRCh38, 1-based): chr16:2,088,043, C>T. VCF-style: chr16-2088043-C-T. GRCh37 (hg19) VCF-style: chr16-2138044-C-T.
Other names: c.5000-5C>T (NM_001114382.3); c.4940-5C>T (NM_021055.3, NM_001370405.1); c.4871-5C>T (NM_001363528.2); c.4937-5C>T (NM_001370404.1); c.4868-5C>T (NM_001077183.3); c.4760-5C>T (NM_001318827.2); c.4337-5C>T (NM_001318831.2); c.4724-5C>T (NM_001318829.2); and 1 more.
Identifiers: ClinVar variation 582732 (VCV000582732.20), dbSNP rs762149472, ClinGen allele CA053871.

ClinVar aggregate classification (germline): Conflicting classifications of pathogenicity. Review status: criteria provided, conflicting classifications (1 of 4 stars). 4 submissions from 4 submitters: Uncertain significance (1); Likely benign (3). Last evaluated 2025-11-06.

Conditions:
Hereditary cancer-predisposing syndrome. Also called: Neoplastic Syndromes, Hereditary; Hereditary Cancer Syndrome; Tumor predisposition; Hereditary neoplastic syndrome. Identifiers: Orphanet 140162, MedGen C0027672, MeSH D009386, MONDO:0015356.
Tuberous sclerosis 2 (TSC2). Identifiers: Orphanet 805, MedGen C1860707, MONDO:0013199, OMIM 613254.

Allele frequency attached by ClinVar (database versions not stated): gnomAD exomes below 0.00001; TOPMed below 0.00001; ExAC 0.00001; gnomAD 0.00001.
gnomAD v4.1: 4 of 1,612,122 alleles (0.00025%); highest among the groups gnomAD compares: Non-Finnish European, 0.00034%; no homozygotes.

Submissions (4):

Labcorp Genetics (formerly Invitae), Labcorp
Classification: Likely benign for Tuberous sclerosis 2. Last evaluated: 2025-11-06. Review status: criteria provided, single submitter. Criteria: Invitae Variant Classification Sherloc (09022015). Collection method: clinical testing. Allele origin: germline.

Myriad Genetics, Inc.
Classification: Likely benign for Tuberous sclerosis 2. Last evaluated: 2025-06-06. Review status: criteria provided, single submitter. Criteria: Myriad Autosomal Dominant, Autosomal Recessive and X-Linked Classification Criteria (2023). Collection method: clinical testing. Allele origin: unknown.
Comment: This variant is considered likely benign. This variant is intronic and is not expected to impact mRNA splicing.

Ambry Genetics
Classification: Likely benign for Hereditary cancer-predisposing syndrome. Last evaluated: 2024-09-19. Review status: criteria provided, single submitter. Criteria: Ambry Variant Classification Scheme 2023. Collection method: clinical testing. Allele origin: germline.

Genome-Nilou Lab
Classification: Uncertain significance for Tuberous sclerosis 2. Last evaluated: 2021-11-07. Review status: criteria provided, single submitter. Criteria: ACMG Guidelines, 2015. Collection method: clinical testing. Allele origin: germline. Affected: no.